The following is an entry in ClinVar:

NM_001370259.2(MEN1):c.1025_1032del (p.Ala342fs)

Gene: MEN1 (menin 1; minus strand). Cytogenetic location: 11q13.1.
Variant type: Deletion.
Coding change: c.1025_1032del on transcript NM_001370259.2 (MANE Select); coding-DNA positions 1025 to 1032, 8 bases deleted (CGGACACG; older notation c.1025_1032delCGGACACG).
Protein change: p.Ala342fs; shifts the reading frame from alanine 342.
Molecular consequence: frameshift variant. On other transcripts: non-coding transcript variant (4).
Genome position (GRCh38, 1-based): chr11:64,806,249-64,806,256, CGTGTCCG deleted on the plus strand (CGGACACG on the coding strand, the reverse complement: MEN1 is on the minus strand); deleting any 8 consecutive bases within chr11:64,806,249-64,806,257 gives the same sequence; the c. name uses the placement nearest the transcript's 3' end. VCF-style (leftmost placement, unchanged base first): chr11-64806248-CCGTGTCCG-C. GRCh37 (hg19) VCF-style: chr11-64573720-CCGTGTCCG-C.
Other names: c.1040_1047del, p.Ala347fs (NM_000244.4, NM_001407145.1, NM_001407150.1 and 5 more transcripts); c.1025_1032del, p.Ala342fs (NM_001370251.2, NM_001370260.2, NM_001370261.2 and 7 more transcripts); c.920_927del, p.Ala307fs (NM_001370262.2, NM_001370263.2, NM_001407148.1 and 2 more transcripts); short protein forms A342fs, A347fs, A307fs.
Identifiers: ClinVar variation 2700588 (VCV002700588.3), dbSNP rs2497172291, ClinGen allele CA2697548660.
Genomic context (GRCh38, chr11:64,806,248, plus strand): 5'-GGGAAGAAAGGACAGGCTGCAGGCCCTAGTAGGGGGATCCTCACTCCTGGATGACAGTGG[CCGTGTCCG>C]CCCAGGCCTGCAGGGCTTCCCGCACATTGCGGTTGCGACAGTGGTAGCCAGCCAGGTACA-3'

ClinVar aggregate classification (germline): Pathogenic (1 of 4 stars; one submission).

Conditions:
Multiple endocrine neoplasia, type 1 (MEN1). Also called: MEN I; WERMER SYNDROME; Endocrine adenomatosis multiple; MEN 1; MEA I. Identifiers: Orphanet 652, MedGen C0025267, MeSH D018761, MONDO:0007540, OMIM 131100.

Submission:

Labcorp Genetics (formerly Invitae), Labcorp
Classification: Pathogenic for Multiple endocrine neoplasia, type 1. Last evaluated: 2023-12-03. Review status: criteria provided, single submitter. Criteria: Invitae Variant Classification Sherloc (09022015). Collection method: clinical testing. Allele origin: germline.
Comment: This sequence change creates a premature translational stop signal (p.Ala342Glyfs*22) in the MEN1 gene. It is expected to result in an absent or disrupted protein product. Loss-of-function variants in MEN1 are known to be pathogenic (PMID: 12112656, 17853334). This variant is not present in population databases (gnomAD no frequency). This variant has not been reported in the literature in individuals affected with MEN1-related conditions. Algorithms developed to predict the effect of sequence changes on RNA splicing suggest that this variant may disrupt the consensus splice site. For these reasons, this variant has been classified as Pathogenic.

Literature cited by the submitters: PubMed 12112656; PubMed 17853334.